The following is an entry in ClinVar:

NM_006267.5(RANBP2):c.4972T>G (p.Phe1658Val)

Gene: RANBP2 (RAN binding protein 2; plus strand). Cytogenetic location: 2q13.
Variant type: single nucleotide variant.
Coding change: c.4972T>G on transcript NM_006267.5 (MANE Select); coding-DNA position 4972, T replaced by G.
Protein change: p.Phe1658Val; replaces phenylalanine 1658 with valine.
Molecular consequence: missense variant.
Genome position (GRCh38, 1-based): chr2:108,765,511, T>G. VCF-style: chr2-108765511-T-G. GRCh37 (hg19) VCF-style: chr2-109381967-T-G.
Other names: short protein forms F1658V.
Identifiers: ClinVar variation 426479 (VCV000426479.6), dbSNP rs755016899, ClinGen allele CA1823205.

ClinVar aggregate classification (germline): Uncertain significance. Review status: criteria provided, multiple submitters, no conflicts (2 of 4 stars). 3 submissions from 3 submitters: Uncertain significance (3). Last evaluated 2026-03-11.

Conditions:
Familial acute necrotizing encephalopathy (IIAE3). Also called: Susceptibility to Acute Necrotizing Encephalopathy 1; ENCEPHALOPATHY, ACUTE, INFECTION-INDUCED, SUSCEPTIBILITY TO, 3. Identifiers: Orphanet 88619, MedGen C2675556, MONDO:0011953, OMIM 608033.

Allele frequency attached by ClinVar (database versions not stated): ExAC 0.00001; gnomAD 0.00001; TOPMed 0.00001; gnomAD exomes 0.00002.
gnomAD v4.1: 15 of 1,562,054 alleles (0.00096%); highest among the groups gnomAD compares: Admixed American, 0.0054%; no homozygotes.

Submissions (3):

Ambry Genetics
Classification: Uncertain significance. Last evaluated: 2026-03-11. Review status: criteria provided, single submitter. Criteria: Ambry Variant Classification Scheme 2023. Collection method: clinical testing. Allele origin: germline.

Labcorp Genetics (formerly Invitae), Labcorp
Classification: Uncertain significance for Familial acute necrotizing encephalopathy. Last evaluated: 2021-08-31. Review status: criteria provided, single submitter. Criteria: Invitae Variant Classification Sherloc (09022015). Collection method: clinical testing. Allele origin: germline.
Comment: This sequence change replaces phenylalanine with valine at codon 1658 of the RANBP2 protein (p.Phe1658Val). The phenylalanine residue is highly conserved and there is a small physicochemical difference between phenylalanine and valine. This variant is present in population databases (rs755016899, ExAC 0.002%). This variant has not been reported in the literature in individuals affected with RANBP2-related conditions. ClinVar contains an entry for this variant (Variation ID: 426479). Algorithms developed to predict the effect of missense changes on protein structure and function are either unavailable or do not agree on the potential impact of this missense change (SIFT: "Deleterious"; PolyPhen-2: "Benign"; Align-GVGD: "Class C45"). In summary, the available evidence is currently insufficient to determine the role of this variant in disease. Therefore, it has been classified as a Variant of Uncertain Significance.

GeneDx
Classification: Uncertain significance. Last evaluated: 2017-04-14. Review status: criteria provided, single submitter. Criteria: GeneDx Variant Classification (06012015). Collection method: clinical testing. Allele origin: germline. Affected: yes.
Comment: The F1658V variant has not been published as a pathogenic variant, nor has it been reported as a benign variant to our knowledge. The F1658V variant is not observed at a significant frequency in large population cohorts (Lek et al., 2016; 1000 Genomes Consortium et al., 2015; Exome Variant Server). The F1658V variant is a semi-conservative amino acid substitution, which may impact secondary protein structure as these residues differ in some properties. This substitution occurs at a position that is not conserved. In silico analysis is inconsistent in its predictions as to whether or not the variant is damaging to the protein structure/function. In summary, based on the currently available information, it is unclear whether this variant is a pathogenic variant or a rare benign variant.